The following is an entry in ClinVar:

NM_001148.6(ANK2):c.1442G>A (p.Arg481Gln)

Gene: ANK2 (ankyrin 2; plus strand). Cytogenetic location: 4q26.
Variant type: single nucleotide variant.
Coding change: c.1442G>A on transcript NM_001148.6 (MANE Select); coding-DNA position 1442, G replaced by A.
Protein change: p.Arg481Gln; replaces arginine 481 with glutamine.
Molecular consequence: missense variant.
Genome position (GRCh38, 1-based): chr4:113,264,952, G>A. VCF-style: chr4-113264952-G-A. GRCh37 (hg19) VCF-style: chr4-114186108-G-A.
Other names: c.1379G>A, p.Arg460Gln (NM_001127493.3, NM_001354239.2, NM_001354243.2 and 14 more transcripts); c.1442G>A, p.Arg481Gln (NM_001354225.2, NM_001354228.2, NM_001354232.2 and 8 more transcripts); c.1487G>A, p.Arg496Gln (NM_001354230.2, NM_001354231.2, NM_001354237.2 and 5 more transcripts); c.1355G>A, p.Arg452Gln (NM_001354249.2, NM_001354271.2, NM_001354274.2 and 13 more transcripts); c.1232G>A, p.Arg411Gln (NM_001354269.3); c.1244G>A, p.Arg415Gln (NM_001354273.2); c.1157G>A, p.Arg386Gln (NM_001354277.2, NM_001386157.1, NM_001386158.1); c.1400G>A, p.Arg467Gln (NM_001386160.1, NM_001354261.2, NM_001386147.1); and 5 more; short protein forms R411Q, R452Q, R460Q, R467Q, R477Q, R386Q, R481Q, R490Q.
Identifiers: ClinVar variation 1497281 (VCV001497281.9), dbSNP rs2055114546, ClinGen allele CA357931079.

ClinVar aggregate classification (germline): Uncertain significance. Review status: criteria provided, multiple submitters, no conflicts (2 of 4 stars). 2 submissions from 2 submitters: Uncertain significance (2). Last evaluated 2023-01-09.

Conditions:
Cardiovascular phenotype. Identifiers: MedGen CN230736.
Long QT syndrome (LQTS). Identifiers: MedGen C0023976, MeSH D008133, MONDO:0002442. Disease mechanism: loss of function. Inheritance: Various modes of inheritance.

Allele frequency attached by ClinVar (database versions not stated): gnomAD exomes below 0.00001; TOPMed below 0.00001.
gnomAD v4.1: 6 of 1,568,086 alleles (0.00038%); highest among the groups gnomAD compares: Non-Finnish European, 0.00043%; no homozygotes.

Submissions (2):

Ambry Genetics
Classification: Uncertain significance for Cardiovascular phenotype. Last evaluated: 2023-01-09. Review status: criteria provided, single submitter. Criteria: Ambry Variant Classification Scheme 2023. Collection method: clinical testing. Allele origin: germline.
Comment: The p.R481Q variant (also known as c.1442G>A), located in coding exon 14 of the ANK2 gene, results from a G to A substitution at nucleotide position 1442. The arginine at codon 481 is replaced by glutamine, an amino acid with highly similar properties. This amino acid position is conserved. In addition, this alteration is predicted to be deleterious by in silico analysis. Since supporting evidence is limited at this time, the clinical significance of this alteration remains unclear.

Labcorp Genetics (formerly Invitae), Labcorp
Classification: Uncertain significance for Long QT syndrome. Last evaluated: 2021-05-11. Review status: criteria provided, single submitter. Criteria: Invitae Variant Classification Sherloc (09022015). Collection method: clinical testing. Allele origin: germline.
Comment: This sequence change replaces arginine with glutamine at codon 481 of the ANK2 protein (p.Arg481Gln). The arginine residue is highly conserved and there is a small physicochemical difference between arginine and glutamine. This variant is not present in population databases (ExAC no frequency). This variant has not been reported in the literature in individuals with ANK2-related conditions. Algorithms developed to predict the effect of missense changes on protein structure and function are either unavailable or do not agree on the potential impact of this missense change (SIFT: "Deleterious"; PolyPhen-2: "Probably Damaging"; Align-GVGD: "Class C0"). In summary, the available evidence is currently insufficient to determine the role of this variant in disease. Therefore, it has been classified as a Variant of Uncertain Significance.